The following is an entry in ClinVar:

ClinVar aggregate classification (germline): Uncertain significance (1 of 4 stars; one submission).

Submission:

GeneDx
Classification: Uncertain significance. Last evaluated: 2026-04-22. Review status: criteria provided, single submitter. Criteria: GeneDx Variant Classification Process June 2021. Collection method: clinical testing. Allele origin: germline.
Comment: Not observed at significant frequency in large population cohorts (gnomAD); In silico analysis supports that this missense variant has a deleterious effect on protein structure/function; Has not been previously published as pathogenic or benign to our knowledge

NM_005862.3(STAG1):c.2186T>C (p.Met729Thr)

Gene: STAG1 (STAG1 cohesin complex component; minus strand). Cytogenetic location: 3q22.3.
Variant type: single nucleotide variant.
Coding change: c.2186T>C on transcript NM_005862.3 (MANE Select); coding-DNA position 2186, T replaced by C.
Protein change: p.Met729Thr; replaces methionine 729 with threonine.
Molecular consequence: missense variant.
Genome position (GRCh38, 1-based): chr3:136,417,895, A>G on the plus strand (T>C on the coding strand, the complement: STAG1 is on the minus strand). VCF-style: chr3-136417895-A-G. GRCh37 (hg19) VCF-style: chr3-136136737-A-G.
Other names: short protein forms M729T.
Identifiers: ClinVar variation 5037554 (VCV005037554.1).